The following is an entry in ClinVar:

ClinVar aggregate classification (germline): Likely benign (1 of 4 stars; one submission).

gnomAD v4.1: 4 of 1,613,760 alleles (0.00025%); highest among the groups gnomAD compares: African/African-American, 0.0053%; no homozygotes.

Submission:

Mayo Clinic Laboratories, Mayo Clinic
Classification: Likely benign. Last evaluated: 2025-08-08. Review status: criteria provided, single submitter. Criteria: ACMG Guidelines, 2015. Collection method: clinical testing. Allele origin: germline. Observed: 1 variant allele.
Comment: BP4, BP7

NM_003850.3(SUCLA2):c.964+28G>A

Gene: SUCLA2 (succinate-CoA ligase ADP-forming subunit beta; minus strand). Cytogenetic location: 13q14.2.
Variant type: single nucleotide variant.
Coding change: c.964+28G>A on transcript NM_003850.3 (MANE Select); 28 bases into the intron after coding-DNA position 964, G replaced by A.
Molecular consequence: intron variant.
Genome position (GRCh38, 1-based): chr13:47,954,368, C>T on the plus strand (G>A on the coding strand, the complement: SUCLA2 is on the minus strand). VCF-style: chr13-47954368-C-T. GRCh37 (hg19) VCF-style: chr13-48528503-C-T.
Other names: p.?.
Identifiers: ClinVar variation 4683798 (VCV004683798.1).